The following is an entry in ClinVar:

NC_000016.10:g.(?_68676385)_(68679974_?)dup

Gene: CDH3 (cadherin 3; plus strand). Cytogenetic location: 16q22.1.
Variant type: Duplication.
Identifiers: ClinVar variation 830518 (VCV000830518.1).

ClinVar aggregate classification (germline): Likely pathogenic (1 of 4 stars; one submission).

Submission:

Labcorp Genetics (formerly Invitae), Labcorp
Classification: Likely pathogenic. Last evaluated: 2019-08-14. Review status: criteria provided, single submitter. Criteria: Invitae Variant Classification Sherloc (09022015). Collection method: clinical testing. Allele origin: germline.
Comment: This variant is a gross duplication of the genomic region encompassing exons 3-7 of the CDH3 gene. While the exact position of the duplicated exons cannot be determined from this data, the duplicated copy of this region is likely in tandem and may result in an absent or disrupted protein product. This duplication has not been reported in the literature in individuals with CDH3-related disease. Sub-genic duplications are generally in tandem (PMID: 25640679), and result in an absent or disrupted protein. Loss-of-function variants in CDH3 are known to be pathogenic (PMID: 14708629, 17342797, 22348569). In summary, the currently available evidence indicates that the variant is pathogenic, but additional data are needed to prove that conclusively. Therefore, this variant has been classified as Likely Pathogenic.